The following is an entry in ClinVar:

ClinVar aggregate classification (germline): Pathogenic/Likely pathogenic. Review status: criteria provided, multiple submitters, no conflicts (2 of 4 stars). 4 submissions from 4 submitters: Pathogenic (1); Likely pathogenic (3). Last evaluated 2025-03-04.

Conditions:
Breast-ovarian cancer, familial, susceptibility to, 4. Identifiers: Orphanet 145, MedGen C3280345, MONDO:0013669, OMIM 614291.

Submissions (4):

Center for Genomic Medicine, Rigshospitalet, Copenhagen University Hospital
Classification: Pathogenic. Last evaluated: 2025-03-04. Review status: criteria provided, single submitter. Criteria: ACMG Guidelines, 2015. Collection method: clinical testing. Allele origin: germline.

CeGaT Center for Human Genetics Tuebingen
Classification: Likely pathogenic. Last evaluated: 2025-03-01. Review status: criteria provided, single submitter. Criteria: CeGaT Center For Human Genetics Tuebingen Variant Classification Criteria Version 2. Collection method: clinical testing. Allele origin: germline. Affected: yes. Observed: 1 variant allele.
Comment: RAD51D: PVS1:Strong, PM2

Myriad Genetics, Inc.
Classification: Likely pathogenic for Breast-ovarian cancer, familial, susceptibility to, 4. Last evaluated: 2023-12-19. Review status: criteria provided, single submitter. Criteria: Myriad Autosomal Dominant, Autosomal Recessive and X-Linked Classification Criteria (2023). Collection method: clinical testing. Allele origin: unknown.
Comment: This variant is considered likely pathogenic. This variant creates a frameshift predicted to result in premature protein truncation.

Labcorp Genetics (formerly Invitae), Labcorp
Classification: Likely pathogenic for Breast-ovarian cancer, familial, susceptibility to, 4. Last evaluated: 2023-10-12. Review status: criteria provided, single submitter. Criteria: Invitae Variant Classification Sherloc (09022015). Collection method: clinical testing. Allele origin: germline.
Comment: This sequence change creates a premature translational stop signal (p.Ala296Profs*14) in the RAD51D gene. While this is not anticipated to result in nonsense mediated decay, it is expected to disrupt the last 33 amino acid(s) of the RAD51D protein. This variant is present in population databases (rs761589376, gnomAD 0.0009%). This variant has not been reported in the literature in individuals affected with RAD51D-related conditions. ClinVar contains an entry for this variant (Variation ID: 1068166). This variant disrupts the ATPase domain and RAD51C interaction domain of the RAD51D protein, which are necessary for the DNA repair activity (PMID: 14704354, 19327148, 21111057, 10749867). While functional studies have not been performed to directly test the effect of this variant on RAD51D protein function, this suggests that disruption of this region of the protein is causative of disease. In summary, the currently available evidence indicates that the variant is pathogenic, but additional data are needed to prove that conclusively. Therefore, this variant has been classified as Likely Pathogenic.

Literature cited by the submitters: PubMed 26057125 (cited by Center for Genomic Medicine, Rigshospitalet, Copenhagen University Hospital); PubMed 14704354 (cited by Labcorp Genetics (formerly Invitae), Labcorp); PubMed 19327148 (cited by Labcorp Genetics (formerly Invitae), Labcorp); PubMed 21111057 (cited by Labcorp Genetics (formerly Invitae), Labcorp); PubMed 10749867 (cited by Labcorp Genetics (formerly Invitae), Labcorp).

NM_002878.4(RAD51D):c.886del (p.Ala296fs)

Genes: RAD51D (RAD51 paralog D; minus strand), RAD51L3-RFFL (RAD51L3-RFFL readthrough; minus strand). Cytogenetic location: 17q12.
Variant type: Deletion.
Coding change: c.886del on transcript NM_002878.4 (MANE Select); coding-DNA position 886, one base deleted (G; older notation c.886delG).
Protein change: p.Ala296fs; shifts the reading frame from alanine 296.
Molecular consequence: frameshift variant. On other transcripts: non-coding transcript variant (3).
Genome position (GRCh38, 1-based): chr17:35,101,218, C deleted on the plus strand (G on the coding strand, the reverse complement: RAD51D is on the minus strand); the first of 2 consecutive C bases (chr17:35,101,218-35,101,219); deleting either gives the same sequence. VCF-style (leftmost placement, unchanged base first): chr17-35101217-GC-G. GRCh37 (hg19) VCF-style: chr17-33428236-GC-G.
Other names: c.886delG (NM_002878.4); c.946del, p.Ala316fs (NM_001142571.2); c.550del, p.Ala184fs (NM_133629.3); short protein forms A184fs, A296fs, A316fs.
Identifiers: ClinVar variation 1068166 (VCV001068166.20), dbSNP rs761589376, ClinGen allele CA8499326.